The following is an entry in ClinVar:

NM_025243.4(SLC19A3):c.436G>A (p.Val146Ile)

Gene: SLC19A3 (solute carrier family 19 member 3; minus strand). Cytogenetic location: 2q36.3.
Variant type: single nucleotide variant.
Coding change: c.436G>A on transcript NM_025243.4 (MANE Select); coding-DNA position 436, G replaced by A.
Protein change: p.Val146Ile; replaces valine 146 with isoleucine.
Molecular consequence: missense variant.
Genome position (GRCh38, 1-based): chr2:227,699,279, C>T on the plus strand (G>A on the coding strand, the complement: SLC19A3 is on the minus strand). VCF-style: chr2-227699279-C-T. GRCh37 (hg19) VCF-style: chr2-228563995-C-T.
Other names: short protein forms V146I.
Identifiers: ClinVar variation 533544 (VCV000533544.19), dbSNP rs147502239, ClinGen allele CA2149295.
Genomic context (GRCh38, chr2:227,699,279, plus strand): 5'-TCGCCAGGGATACCAAGAGTTGAGCCAGCACCGACCCTGCTGTGTAGGCGGCCAGCGTGA[C>T]GCTCCTGCAGTAGCCGCTCACTCTCTGGTAGTGCTCGGGGCTGACCACGCTGTATATGTA-3'
Protein context (NP_079519.1, residues 136-156): YQRVSGYCRS[Val146Ile]TLAAYTAGSV

ClinVar aggregate classification (germline): Conflicting classifications of pathogenicity. Review status: criteria provided, conflicting classifications (1 of 4 stars). 5 submissions from 5 submitters: Uncertain significance (2); Likely benign (2). 1 of the submissions does not count toward it. Last evaluated 2026-08-05.

Conditions:
Inborn genetic diseases. Identifiers: MedGen C0950123, MeSH D030342.
Biotin-responsive basal ganglia disease (BTBGD). Also called: Thiamine Transporter-2 Deficiency; Thiamine metabolism dysfunction syndrome type 2; THIAMINE METABOLISM DYSFUNCTION SYNDROME 2 (BIOTIN- AND THIAMINE-RESPONSIVE TYPE); Thiamine metabolism dysfunction syndrome 2 (biotin- or thiamine-responsive encephalopathy type 2); thiamine-responsive encephalopathy. Identifiers: Orphanet 199348, Orphanet 65284, MedGen C1843807, MONDO:0011841, OMIM 607483.
SLC19A3-related disorder. Also called: SLC19A3-related condition.

Allele frequency attached by ClinVar (database versions not stated): ESP Exome Variant Server 0.00031; gnomAD 0.00036 and 0.00039; TOPMed 0.00041; 1000 Genomes Project 30x 0.00172; 1000 Genomes Project 0.00180.
gnomAD v4.1: 182 of 1,614,070 alleles (0.011%); highest among the groups gnomAD compares: African/African-American, 0.16%; 1 homozygote.

Submissions (5):

Ambry Genetics
Classification: Likely benign for Inborn genetic diseases. Last evaluated: 2026-08-05. Review status: criteria provided, single submitter. Criteria: Ambry Variant Classification Scheme 2023. Collection method: clinical testing. Allele origin: germline.

Labcorp Genetics (formerly Invitae), Labcorp
Classification: Likely benign for Biotin-responsive basal ganglia disease. Last evaluated: 2026-01-27. Review status: criteria provided, single submitter. Criteria: Invitae Variant Classification Sherloc (09022015). Collection method: clinical testing. Allele origin: germline.

GeneDx
Classification: Uncertain significance. Last evaluated: 2026-01-08. Review status: criteria provided, single submitter. Criteria: GeneDx Variant Classification Process June 2021. Collection method: clinical testing. Allele origin: germline.
Comment: In silico analysis suggests that this missense variant does not alter protein structure/function; Has not been previously published as pathogenic or benign to our knowledge

Eurofins Ntd Llc (ga)
Classification: Uncertain significance. Last evaluated: 2018-06-11. Review status: criteria provided, single submitter. Criteria: EGL ClinVar v180209 classification definitions. Collection method: clinical testing. Allele origin: germline. Observed: 1 variant allele, 1 heterozygote.

PreventionGenetics, part of Exact Sciences
Classification: Uncertain significance for SLC19A3-related condition. Last evaluated: 2024-06-07. Review status: no assertion criteria provided. Collection method: clinical testing. Allele origin: germline. Not counted in ClinVar's aggregate classification.
Comment: The SLC19A3 c.436G>A variant is predicted to result in the amino acid substitution p.Val146Ile. To our knowledge, this variant has not been reported in the literature. This variant is reported in 0.13% of alleles in individuals of African descent in gnomAD, including one homozygote. Although we suspect that this variant may be benign, at this time, the clinical significance of this variant is uncertain due to the absence of conclusive functional and genetic evidence.